The following is an entry in ClinVar:

ClinVar aggregate classification (germline): Uncertain significance (1 of 4 stars; one submission).

Submission:

Labcorp Genetics (formerly Invitae), Labcorp
Classification: Uncertain significance. Last evaluated: 2020-10-25. Review status: criteria provided, single submitter. Criteria: Invitae Variant Classification Sherloc (09022015). Collection method: clinical testing. Allele origin: germline.
Comment: In summary, the available evidence is currently insufficient to determine the role of this variant in disease. Therefore, it has been classified as a Variant of Uncertain Significance. Algorithms developed to predict the effect of missense changes on protein structure and function (SIFT, PolyPhen-2, Align-GVGD) all suggest that this variant is likely to be disruptive, but these predictions have not been confirmed by published functional studies and their clinical significance is uncertain. This variant has not been reported in the literature in individuals with USH2A-related conditions. This variant is not present in population databases (ExAC no frequency). This sequence change replaces arginine with threonine at codon 4193 of the USH2A protein (p.Arg4193Thr). The arginine residue is highly conserved and there is a moderate physicochemical difference between arginine and threonine.

NM_206933.4(USH2A):c.12578G>C (p.Arg4193Thr)

Gene: USH2A (usherin; minus strand). Cytogenetic location: 1q41.
Variant type: single nucleotide variant.
Coding change: c.12578G>C on transcript NM_206933.4 (MANE Select); coding-DNA position 12578, G replaced by C.
Protein change: p.Arg4193Thr; replaces arginine 4193 with threonine.
Molecular consequence: missense variant.
Genome position (GRCh38, 1-based): chr1:215,675,333, C>G on the plus strand (G>C on the coding strand, the complement: USH2A is on the minus strand). VCF-style: chr1-215675333-C-G. GRCh37 (hg19) VCF-style: chr1-215848675-C-G.
Other names: short protein forms R4193T.
Identifiers: ClinVar variation 1045660 (VCV001045660.8), dbSNP rs1657985421, ClinGen allele CA344850583.